The following is an entry in ClinVar:

ClinVar aggregate classification (germline): Likely benign. Review status: criteria provided, multiple submitters, no conflicts (2 of 4 stars). 2 submissions from 2 submitters: Likely benign (2). Last evaluated 2024-10-30.

Conditions:
Charcot-Marie-Tooth disease dominant intermediate B (CMTDIB). Also called: CHARCOT-MARIE-TOOTH NEUROPATHY, DOMINANT INTERMEDIATE B; Charcot-Marie-Tooth disease dominant intermediate 1; CMT DI1; Charcot-Marie-Tooth disease dominant intermediate I. Identifiers: Orphanet 100044, Orphanet 228179, MedGen C1847902, MONDO:0011674, OMIM 606482.

Allele frequency attached by ClinVar (database versions not stated): gnomAD exomes below 0.00001.
gnomAD v4.1: 2 of 1,614,152 alleles (0.00012%); highest among the groups gnomAD compares: Non-Finnish European, 0.000085%; no homozygotes.

Submissions (2):

Labcorp Genetics (formerly Invitae), Labcorp
Classification: Likely benign for Charcot-Marie-Tooth disease dominant intermediate B. Last evaluated: 2024-10-30. Review status: criteria provided, single submitter. Criteria: Invitae Variant Classification Sherloc (09022015). Collection method: clinical testing. Allele origin: germline.

GeneDx
Classification: Likely benign. Last evaluated: 2017-10-05. Review status: criteria provided, single submitter. Criteria: GeneDx Variant Classification (06012015). Collection method: clinical testing. Allele origin: germline. Affected: yes.
Comment: This variant is considered likely benign or benign based on one or more of the following criteria: it is a conservative change, it occurs at a poorly conserved position in the protein, it is predicted to be benign by multiple in silico algorithms, and/or has population frequency not consistent with disease.

NM_001005361.3(DNM2):c.1545+11C>T

Gene: DNM2 (dynamin 2; plus strand). Cytogenetic location: 19p13.2.
Variant type: single nucleotide variant.
Coding change: c.1545+11C>T on transcript NM_001005361.3 (MANE Select); 11 bases into the intron after coding-DNA position 1545, C replaced by T.
Molecular consequence: intron variant.
Genome position (GRCh38, 1-based): chr19:10,805,978, C>T. VCF-style: chr19-10805978-C-T. GRCh37 (hg19) VCF-style: chr19-10916654-C-T.
Other names: c.1545+11C>T (NM_001005360.3, NM_001190716.2, NM_004945.4 and 1 more transcripts).
Identifiers: ClinVar variation 512497 (VCV000512497.3), dbSNP rs1555712626, ClinGen allele CA658799114.
Genomic context (GRCh38, chr19:10,805,978, plus strand): 5'-CCCAGCAGAGGAGCACGCAGCTGAACAAGAAGAGAGCCATCCCCAATCAGGTAGCACACC[C>T]CTCTGCAGTCTCCCGCTCTACCCTGGGGGCGGGAGGACGCTAAGTGACAGCTAAGCCCCC-3'